The following is an entry in ClinVar:

ClinVar aggregate classification (germline): Likely benign (0 of 4 stars; one submission).

Conditions:
MRPS28-related disorder. Also called: MRPS28-related condition.

Submission:

PreventionGenetics, part of Exact Sciences
Classification: Likely benign for MRPS28-related condition. Last evaluated: 2019-12-05. Review status: no assertion criteria provided. Collection method: clinical testing. Allele origin: germline.
Comment: This variant is classified as likely benign based on ACMG/AMP sequence variant interpretation guidelines (Richards et al. 2015 PMID: 25741868, with internal and published modifications).

NM_014018.2(MRPS28):c.205_213+9dup18

Genes: MRPS28 (mitochondrial ribosomal protein S28; minus strand), TPD52-MRPS28 (TPD52-MRPS28 readthrough; minus strand), LOC130000644 (ATAC-STARR-seq lymphoblastoid active region 27552; plus strand). Cytogenetic location: 8q21.13.
Variant type: Microsatellite.
Coding change: c.205_213+9dup18 on transcript NM_014018.2; coding-DNA position 205 through 9 bases into the intron after coding-DNA position 213, 18 bases duplicated (CTACAGAAGGTGGAGCCC).
Molecular consequence: intron variant (on NM_001387778.1).
Genome position (GRCh38, 1-based): chr8:80,030,027-80,030,044, GGGCTCCACCTTCTGTAG duplicated on the plus strand (CTACAGAAGGTGGAGCCC on the coding strand, the reverse complement: MRPS28 is on the minus strand); duplicating any 18 consecutive bases within chr8:80,030,027-80,030,062 gives the same sequence; the c. name uses the placement nearest the transcript's 3' end. VCF-style (leftmost placement, unchanged base first): chr8-80030026-C-CGGGCTCCACCTTCTGTAG. GRCh37 (hg19) VCF-style: chr8-80942261-C-CGGGCTCCACCTTCTGTAG.
Other names: c.435+12558CTACAGAAGGTGGAGCCC[3] (NM_001387778.1).
Identifiers: ClinVar variation 3038476 (VCV003038476.2), ClinGen allele CA4790028.